The following is an entry in ClinVar:

NM_001572.5(IRF7):c.773C>T (p.Ala258Val)

Gene: IRF7 (interferon regulatory factor 7; minus strand). Cytogenetic location: 11p15.5.
Variant type: single nucleotide variant.
Coding change: c.773C>T on transcript NM_001572.5 (MANE Select); coding-DNA position 773, C replaced by T.
Protein change: p.Ala258Val; replaces alanine 258 with valine.
Molecular consequence: missense variant.
Genome position (GRCh38, 1-based): chr11:613,859, G>A on the plus strand (C>T on the coding strand, the complement: IRF7 is on the minus strand). VCF-style: chr11-613859-G-A. GRCh37 (hg19) VCF-style: chr11-613859-G-A.
Other names: c.686C>T, p.Ala229Val (NM_004029.4); c.812C>T, p.Ala271Val (NM_004031.4); short protein forms A258V, A271V, A229V.
Identifiers: ClinVar variation 863600 (VCV000863600.11), dbSNP rs138137517, ClinGen allele CA5783752.

ClinVar aggregate classification (germline): Uncertain significance. Review status: criteria provided, multiple submitters, no conflicts (2 of 4 stars). 2 submissions from 2 submitters: Uncertain significance (2). Last evaluated 2025-06-18.

Conditions:
Immunodeficiency 39 (IMD39). Identifiers: Orphanet 574918, MedGen C4225358, MONDO:0014597, OMIM 616345.

Allele frequency attached by ClinVar (database versions not stated): gnomAD exomes below 0.00001 and 0.00002; ExAC 0.00005; gnomAD 0.00009; TOPMed 0.00009; 1000 Genomes Project 30x 0.00016; 1000 Genomes Project 0.00020; ESP Exome Variant Server 0.00031.
gnomAD v4.1: 18 of 1,598,702 alleles (0.0011%); highest among the groups gnomAD compares: African/African-American, 0.024%; no homozygotes.

Submissions (2):

Ambry Genetics
Classification: Uncertain significance. Last evaluated: 2025-06-18. Review status: criteria provided, single submitter. Criteria: Ambry Variant Classification Scheme 2023. Collection method: clinical testing. Allele origin: germline.

Labcorp Genetics (formerly Invitae), Labcorp
Classification: Uncertain significance for Immunodeficiency 39. Last evaluated: 2025-03-15. Review status: criteria provided, single submitter. Criteria: Invitae Variant Classification Sherloc (09022015). Collection method: clinical testing. Allele origin: germline.
Comment: This sequence change replaces alanine, which is neutral and non-polar, with valine, which is neutral and non-polar, at codon 271 of the IRF7 protein (p.Ala271Val). The frequency data for this variant in the population databases is considered unreliable, as metrics indicate poor data quality at this position in the gnomAD database. This variant has not been reported in the literature in individuals affected with IRF7-related conditions. ClinVar contains an entry for this variant (Variation ID: 863600). Invitae Evidence Modeling of protein sequence and biophysical properties (such as structural, functional, and spatial information, amino acid conservation, physicochemical variation, residue mobility, and thermodynamic stability) indicates that this missense variant is not expected to disrupt IRF7 protein function with a negative predictive value of 80%. In summary, the available evidence is currently insufficient to determine the role of this variant in disease. Therefore, it has been classified as a Variant of Uncertain Significance.